The following is an entry in ClinVar:

ClinVar aggregate classification (germline): Conflicting classifications of pathogenicity. Review status: criteria provided, conflicting classifications (1 of 4 stars). 5 submissions from 5 submitters: Uncertain significance (1); Benign (1); Likely benign (3). Last evaluated 2025-11-07.

Conditions:
Inborn genetic diseases. Identifiers: MedGen C0950123, MeSH D030342.
Treacher Collins syndrome 1 (TCS1). Also called: TCOF1-Related Treacher Collins Syndrome. Identifiers: Orphanet 861, MedGen CN315775, MONDO:0007944, OMIM 154500.
TCOF1-related disorder. Also called: TCOF1-related condition.

Allele frequency attached by ClinVar (database versions not stated): gnomAD 0.00030 and 0.00033; TOPMed 0.00036; ESP Exome Variant Server 0.00069.
gnomAD v4.1: 101 of 1,614,062 alleles (0.0063%); highest among the groups gnomAD compares: African/African-American, 0.1%; no homozygotes.

Submissions (5):

Ambry Genetics
Classification: Uncertain significance for Inborn genetic diseases. Last evaluated: 2025-11-07. Review status: criteria provided, single submitter. Criteria: Ambry Variant Classification Scheme 2023. Collection method: clinical testing. Allele origin: germline.

PreventionGenetics, part of Exact Sciences
Classification: Likely benign for TCOF1-related condition. Last evaluated: 2025-07-14. Review status: criteria provided, single submitter. Criteria: ACMG Guidelines, 2015. Collection method: clinical testing. Allele origin: germline.
Comment: This variant is classified as likely benign based on ACMG/AMP sequence variant interpretation guidelines (Richards et al. 2015 PMID: 25741868, with internal and published modifications).

Labcorp Genetics (formerly Invitae), Labcorp
Classification: Likely benign for Treacher Collins syndrome 1. Last evaluated: 2025-04-08. Review status: criteria provided, single submitter. Criteria: Invitae Variant Classification Sherloc (09022015). Collection method: clinical testing. Allele origin: germline.

Blueprint Genetics
Classification: Likely benign. Last evaluated: 2022-06-07. Review status: criteria provided, single submitter. Criteria: ACMG Guidelines, 2015. Collection method: clinical testing. Allele origin: germline.

GeneDx
Classification: Benign. Last evaluated: 2019-06-24. Review status: criteria provided, single submitter. Criteria: GeneDx Variant Classification Process June 2021. Collection method: clinical testing. Allele origin: germline. Affected: yes.

NM_001371623.1(TCOF1):c.3241G>A (p.Ala1081Thr)

Gene: TCOF1 (treacle ribosome biogenesis factor 1; plus strand). Cytogenetic location: 5q32.
Variant type: single nucleotide variant.
Coding change: c.3241G>A on transcript NM_001371623.1 (MANE Select); coding-DNA position 3241, G replaced by A.
Protein change: p.Ala1081Thr; replaces alanine 1081 with threonine.
Molecular consequence: missense variant. On other transcripts: intron variant (2).
Genome position (GRCh38, 1-based): chr5:150,391,601, G>A. VCF-style: chr5-150391601-G-A. GRCh37 (hg19) VCF-style: chr5-149771164-G-A.
Other names: c.3010G>A, p.Ala1004Thr (NM_000356.4, NM_001135245.2); c.3241G>A, p.Ala1081Thr (NM_001135243.2); c.3184-356G>A (NM_001135244.2, NM_001195141.2); short protein forms A1004T, A1081T.
Identifiers: ClinVar variation 722583 (VCV000722583.14), dbSNP rs112144548, ClinGen allele CA3511450.